The following is an entry in ClinVar:

NM_006231.4(POLE):c.5194C>G (p.Gln1732Glu)

Gene: POLE (DNA polymerase epsilon, catalytic subunit; minus strand). Cytogenetic location: 12q24.33.
Variant type: single nucleotide variant.
Coding change: c.5194C>G on transcript NM_006231.4 (MANE Select); coding-DNA position 5194, C replaced by G.
Protein change: p.Gln1732Glu; replaces glutamine 1732 with glutamic acid.
Molecular consequence: missense variant.
Genome position (GRCh38, 1-based): chr12:132,641,831, G>C on the plus strand (C>G on the coding strand, the complement: POLE is on the minus strand). VCF-style: chr12-132641831-G-C. GRCh37 (hg19) VCF-style: chr12-133218417-G-C.
Other names: short protein forms Q1732E.
Identifiers: ClinVar variation 1016846 (VCV001016846.8), dbSNP rs2042151210, ClinGen allele CA387376465.

ClinVar aggregate classification (germline): Uncertain significance. Review status: criteria provided, multiple submitters, no conflicts (2 of 4 stars). 2 submissions from 2 submitters: Uncertain significance (2). Last evaluated 2022-10-31.

Conditions:
Hereditary cancer-predisposing syndrome. Also called: Tumor predisposition; Neoplastic Syndromes, Hereditary; Hereditary neoplastic syndrome; Hereditary Cancer Syndrome. Identifiers: Orphanet 140162, MedGen C0027672, MeSH D009386, MONDO:0015356.
Colorectal cancer, susceptibility to, 12 (CRCS12). Also called: COLORECTAL CANCER, SUSCEPTIBILITY TO, ON CHROMOSOME 12q24. Identifiers: Orphanet 220460, MedGen C3554460, MONDO:0014038, OMIM 615083.

Allele frequency attached by ClinVar (database versions not stated): gnomAD exomes below 0.00001.

Submissions (2):

Ambry Genetics
Classification: Uncertain significance for Hereditary cancer-predisposing syndrome. Last evaluated: 2022-10-31. Review status: criteria provided, single submitter. Criteria: Ambry Variant Classification Scheme 2023. Collection method: clinical testing. Allele origin: germline.
Comment: The p.Q1732E variant (also known as c.5194C>G), located in coding exon 39 of the POLE gene, results from a C to G substitution at nucleotide position 5194. The glutamine at codon 1732 is replaced by glutamic acid, an amino acid with highly similar properties. This amino acid position is conserved. In addition, the in silico prediction for this alteration is inconclusive. Since supporting evidence is limited at this time, the clinical significance of this alteration remains unclear.

Labcorp Genetics (formerly Invitae), Labcorp
Classification: Uncertain significance for Colorectal cancer, susceptibility to, 12. Last evaluated: 2021-09-01. Review status: criteria provided, single submitter. Criteria: Invitae Variant Classification Sherloc (09022015). Collection method: clinical testing. Allele origin: germline.
Comment: This sequence change replaces glutamine with glutamic acid at codon 1732 of the POLE protein (p.Gln1732Glu). The glutamine residue is moderately conserved and there is a small physicochemical difference between glutamine and glutamic acid. This variant is not present in population databases (ExAC no frequency). This variant has not been reported in the literature in individuals affected with POLE-related conditions. Algorithms developed to predict the effect of missense changes on protein structure and function (SIFT, PolyPhen-2, Align-GVGD) all suggest that this variant is likely to be tolerated. In summary, the available evidence is currently insufficient to determine the role of this variant in disease. Therefore, it has been classified as a Variant of Uncertain Significance.